The following is an entry in ClinVar:

NM_000553.6(WRN):c.272del (p.Arg91fs)

Gene: WRN (WRN RecQ like helicase; plus strand). Cytogenetic location: 8p12.
Variant type: Deletion.
Coding change: c.272del on transcript NM_000553.6 (MANE Select); coding-DNA position 272, one base deleted (G; older notation c.272delG).
Protein change: p.Arg91fs; shifts the reading frame from arginine 91.
Molecular consequence: frameshift variant.
Genome position (GRCh38, 1-based): chr8:31,064,351, G deleted. VCF-style (leftmost placement, unchanged base first): chr8-31064350-AG-A. GRCh37 (hg19) VCF-style: chr8-30921866-AG-A.
Other names: short protein forms R91fs.
Identifiers: ClinVar variation 862827 (VCV000862827.7), dbSNP rs1812611533, ClinGen allele CA916081498.

ClinVar aggregate classification (germline): Pathogenic (1 of 4 stars; one submission).

Conditions:
Werner syndrome (WRN). Identifiers: Orphanet 902, MedGen C0043119, MONDO:0010196, OMIM 277700.

Allele frequency attached by ClinVar (database versions not stated): gnomAD exomes below 0.00001.

Submission:

Labcorp Genetics (formerly Invitae), Labcorp
Classification: Pathogenic for Werner syndrome. Last evaluated: 2019-12-11. Review status: criteria provided, single submitter. Criteria: Invitae Variant Classification Sherloc (09022015). Collection method: clinical testing. Allele origin: germline.
Comment: For these reasons, this variant has been classified as Pathogenic. Loss-of-function variants in WRN are known to be pathogenic (PMID: 16673358). This variant has not been reported in the literature in individuals with WRN-related conditions. This variant is not present in population databases (ExAC no frequency). This sequence change creates a premature translational stop signal (p.Arg91Lysfs*9) in the WRN gene. It is expected to result in an absent or disrupted protein product.

Literature cited by the submitters: PubMed 16673358.